The following is an entry in ClinVar:

ClinVar aggregate classification (germline): Uncertain significance (1 of 4 stars; one submission).

Conditions:
RASopathy. Also called: Noonan spectrum disorder; rasopathies. Identifiers: Orphanet 536391, MedGen C5555857, MONDO:0021060.

Submission:

Labcorp Genetics (formerly Invitae), Labcorp
Classification: Uncertain significance for RASopathy. Last evaluated: 2023-12-01. Review status: criteria provided, single submitter. Criteria: Invitae Variant Classification Sherloc (09022015). Collection method: clinical testing. Allele origin: germline.
Comment: This sequence change affects a donor splice site in intron 11 of the CBL gene. It is expected to disrupt RNA splicing. Variants that disrupt the donor or acceptor splice site typically lead to a loss of protein function (PMID: 16199547), however the current clinical and genetic evidence is not sufficient to establish whether loss-of-function variants in CBL cause disease. This variant is not present in population databases (gnomAD no frequency). This variant has not been reported in the literature in individuals affected with CBL-related conditions. Algorithms developed to predict the effect of sequence changes on RNA splicing suggest that this variant may disrupt the consensus splice site. In summary, the available evidence is currently insufficient to determine the role of this variant in disease. Therefore, it has been classified as a Variant of Uncertain Significance.

Literature cited by the submitters: PubMed 16199547.

NM_005188.4(CBL):c.1941+2T>G

Gene: CBL (Cbl proto-oncogene; plus strand). Cytogenetic location: 11q23.3.
Variant type: single nucleotide variant.
Coding change: c.1941+2T>G on transcript NM_005188.4 (MANE Select); the canonical splice donor site of the intron after coding-DNA position 1941, T replaced by G.
Molecular consequence: splice donor variant.
Genome position (GRCh38, 1-based): chr11:119,285,568, T>G. VCF-style: chr11-119285568-T-G. GRCh37 (hg19) VCF-style: chr11-119156278-T-G.
Identifiers: ClinVar variation 2699919 (VCV002699919.3), dbSNP rs2496953698, ClinGen allele CA382921067.